The following is an entry in ClinVar:

NM_006270.5(RRAS):c.49G>T (p.Gly17Trp)

Gene: RRAS (RAS related; minus strand). Cytogenetic location: 19q13.33.
Variant type: single nucleotide variant.
Coding change: c.49G>T on transcript NM_006270.5 (MANE Select); coding-DNA position 49, G replaced by T.
Protein change: p.Gly17Trp; replaces glycine 17 with tryptophan.
Molecular consequence: missense variant.
Genome position (GRCh38, 1-based): chr19:49,640,050, C>A on the plus strand (G>T on the coding strand, the complement: RRAS is on the minus strand). VCF-style: chr19-49640050-C-A. GRCh37 (hg19) VCF-style: chr19-50143307-C-A.
Other names: short protein forms G17W.
Identifiers: ClinVar variation 575657 (VCV000575657.10), dbSNP rs373359206, ClinGen allele CA9579172.

ClinVar aggregate classification (germline): Conflicting classifications of pathogenicity. Review status: criteria provided, conflicting classifications (1 of 4 stars). 3 submissions from 3 submitters: Uncertain significance (2); Likely benign (1). Last evaluated 2026-06-04.

Conditions:
Noonan syndrome (NS). Also called: Noonan's syndrome. Identifiers: Orphanet 648, MedGen C0028326, MeSH D009634, MONDO:0018997. Disease mechanism: gain of function.

Allele frequency attached by ClinVar (database versions not stated): ExAC 0.00029; gnomAD exomes 0.00005 and 0.00001; gnomAD 0.00025 and 0.00026; TOPMed 0.00020.

Submissions (3):

Women's Health and Genetics/Laboratory Corporation of America, LabCorp
Classification: Uncertain significance. Last evaluated: 2026-06-04. Review status: criteria provided, single submitter. Criteria: LabCorp Variant Classification Summary - May 2015. Collection method: clinical testing. Allele origin: germline.
Comment: Variant summary: RRAS c.49G>T (p.Gly17Trp) results in a non-conservative amino acid change in the encoded protein sequence. Algorithms developed to predict the effect of missense changes on protein structure and function are either unavailable or do not agree on the potential impact of this missense change. The variant allele was found at a frequency of 5.4e-05 in 92070 control chromosomes. The available data on variant occurrences in the general population are insufficient to allow any conclusion about variant significance. To our knowledge, no occurrence of c.49G>T in individuals affected with RRAS-related conditions and no experimental evidence demonstrating its impact on protein function have been reported. ClinVar contains an entry for this variant (Variation ID: 575657). Based on the evidence outlined above, the variant was classified as uncertain significance.

Labcorp Genetics (formerly Invitae), Labcorp
Classification: Uncertain significance for Noonan syndrome. Last evaluated: 2025-11-09. Review status: criteria provided, single submitter. Criteria: Invitae Variant Classification Sherloc (09022015). Collection method: clinical testing. Allele origin: germline.
Comment: This sequence change replaces glycine, which is neutral and non-polar, with tryptophan, which is neutral and slightly polar, at codon 17 of the RRAS protein (p.Gly17Trp). This variant is present in population databases (rs373359206, gnomAD 0.08%), and has an allele count higher than expected for a pathogenic variant. This variant has not been reported in the literature in individuals affected with RRAS-related conditions. ClinVar contains an entry for this variant (Variation ID: 575657). An algorithm developed to predict the effect of missense changes on protein structure and function (PolyPhen-2) suggests that this variant is likely to be disruptive. In summary, the available evidence is currently insufficient to determine the role of this variant in disease. Therefore, it has been classified as a Variant of Uncertain Significance.

Ambry Genetics
Classification: Likely benign. Last evaluated: 2022-11-08. Review status: criteria provided, single submitter. Criteria: Ambry Variant Classification Scheme 2023. Collection method: clinical testing. Allele origin: germline.